The following is an entry in ClinVar:

ClinVar aggregate classification (germline): Pathogenic (1 of 4 stars; one submission).

Conditions:
Fanconi anemia complementation group O. Also called: RAD51C-Related Fanconi Anemia. Identifiers: Orphanet 84, MedGen C3150653, MONDO:0013248, OMIM 613390.

Submission:

Labcorp Genetics (formerly Invitae), Labcorp
Classification: Pathogenic for Fanconi anemia complementation group O. Last evaluated: 2022-10-17. Review status: criteria provided, single submitter. Criteria: Invitae Variant Classification Sherloc (09022015). Collection method: clinical testing. Allele origin: germline.
Comment: This variant is a gross deletion of the genomic region encompassing exon(s) 5-9 of the RAD51C gene, which includes the termination codon. This deletion extends beyond the assayed region for this gene and therefore may encompass additional genes. While this deletion is not anticipated to lead to nonsense mediated decay, it is expected to alter mRNA translation or result in a truncated protein product. A similar copy number variant has been observed in individual(s) with breast cancer and ovarian cancer (PMID: 24359560). The region of the RAD51C gene that includes exon(s) 5-9 has been determined to be clinically significant (PMID: 24359560). Therefore, deletions that encompass that region are likely to be disease-causing. For these reasons, this variant has been classified as Pathogenic.

Literature cited by the submitters: PubMed 24359560.

NC_000017.11:g.(?_58709849)_(58734222_?)del

Gene: RAD51C (RAD51 paralog C; plus strand). Cytogenetic location: 17q22.
Variant type: Deletion.
Identifiers: ClinVar variation 831791 (VCV000831791.2).